The following is an entry in ClinVar:

ClinVar aggregate classification (germline): Benign/Likely benign. Review status: criteria provided, multiple submitters, no conflicts (2 of 4 stars). 5 submissions from 5 submitters: Benign (1); Likely benign (4). Last evaluated 2025-09-04.

Allele frequency attached by ClinVar (database versions not stated): gnomAD exomes 0.00002; TOPMed 0.00007; gnomAD 0.00009.

Submissions (5):

Labcorp Genetics (formerly Invitae), Labcorp
Classification: Likely benign. Last evaluated: 2025-09-04. Review status: criteria provided, single submitter. Criteria: Invitae Variant Classification Sherloc (09022015). Collection method: clinical testing. Allele origin: germline.

Athena Diagnostics
Classification: Benign. Last evaluated: 2025-04-09. Review status: criteria provided, single submitter. Criteria: Athena Diagnostics Criteria. Collection method: clinical testing. Allele origin: unknown.
Comment: The frequency of this variant in the general population is higher than would generally be expected for pathogenic variants in this gene. Computational tools yielded predictions that this variant is unlikely to have an effect on normal RNA splicing. This nucleotide position exhibits low evolutionary conservation. This variant has been seen where an alternate explanation for disease was also identified.

Blueprint Genetics
Classification: Likely benign. Last evaluated: 2024-10-28. Review status: criteria provided, single submitter. Criteria: ACMG Guidelines, 2015. Collection method: clinical testing. Allele origin: germline.

ARUP Laboratories, Molecular Genetics and Genomics, ARUP Laboratories
Classification: Likely benign. Last evaluated: 2020-12-08. Review status: criteria provided, single submitter. Criteria: ARUP Molecular Germline Variant Investigation Process 2021. Collection method: clinical testing. Allele origin: germline.

Breakthrough Genomics
Classification: Likely benign. Review status: criteria provided, single submitter. Criteria: ACMG Guidelines, 2015. Collection method: not provided. Allele origin: germline. Inheritance: Autosomal dominant inheritance. Affected: yes.

NM_000435.3(NOTCH3):c.4053C>T (p.Arg1351=)

Gene: NOTCH3 (notch receptor 3; minus strand). Cytogenetic location: 19p13.12.
Variant type: single nucleotide variant.
Coding change: c.4053C>T on transcript NM_000435.3 (MANE Select); coding-DNA position 4053, C replaced by T.
Protein change: p.Arg1351=; no amino-acid change (arginine 1351 retained).
Molecular consequence: synonymous variant.
Genome position (GRCh38, 1-based): chr19:15,177,875, G>A on the plus strand (C>T on the coding strand, the complement: NOTCH3 is on the minus strand). VCF-style: chr19-15177875-G-A. GRCh37 (hg19) VCF-style: chr19-15288686-G-A.
Identifiers: ClinVar variation 1256517 (VCV001256517.13), dbSNP rs927758025, ClinGen allele CA305768939.